The following is an entry in ClinVar:

Conditions:
Breast-ovarian cancer, familial, susceptibility to, 1 (BROVCA1). Also called: BRCA1 Hereditary Breast and Ovarian Cancer; OVARIAN CANCER, SUSCEPTIBILITY TO. Identifiers: Orphanet 145, MedGen C2676676, MONDO:0011450, OMIM 604370. Disease mechanism: loss of function.

Submission:

Brotman Baty Institute, University of Washington
No classification provided (evidence only). Condition: Breast-ovarian cancer, familial 1. Review status: no classification provided. Collection method: in vitro. Allele origin: not applicable. Functional consequence: functionally_normal.
ClinVar note: "not provided" was previously submitted as the classification for the variant. However, the classification appeared to be based only on an observation of functional data so it was converted to no classification on 2025-07-30.

NM_007294.4(BRCA1):c.258A>C (p.Leu86=)

Gene: BRCA1 (BRCA1 DNA repair associated; minus strand). Cytogenetic location: 17q21.31.
Variant type: single nucleotide variant.
Coding change: c.258A>C on transcript NM_007294.4 (MANE Select); coding-DNA position 258, A replaced by C.
Protein change: p.Leu86=; no amino-acid change (leucine 86 retained).
Molecular consequence: synonymous variant. On other transcripts: 5 prime UTR variant (7), intron variant (2).
Genome position (GRCh38, 1-based): chr17:43,104,911, T>G on the plus strand (A>C on the coding strand, the complement: BRCA1 is on the minus strand). VCF-style: chr17-43104911-T-G. GRCh37 (hg19) VCF-style: chr17-41256928-T-G.
Other names: c.258A>C, p.Leu86= (NM_001407986.1, NM_001407990.1, NM_001407991.1 and 168 more transcripts); c.180A>C, p.Leu60= (NM_001408409.1, NM_001408411.1, NM_001408412.1 and 21 more transcripts); c.117A>C, p.Leu39= (NM_001408410.1, NM_001408452.1, NM_001408453.1 and 99 more transcripts); c.126A>C, p.Leu42= (NM_001408451.1); c.48A>C, p.Leu16= (NM_001408478.1, NM_001408479.1, NM_001408480.1 and 58 more transcripts); c.-124A>C (NM_001408510.1, NM_001408512.1, NM_001407959.1 and 4 more transcripts); c.-218-10051A>C (NM_001407967.1, NM_001407966.1).
Identifiers: ClinVar variation 865341 (VCV000865341.3), dbSNP rs777491912, ClinGen allele CA500127570.